The following is an entry in ClinVar:

NM_001371986.1(UNC80):c.5504C>T (p.Thr1835Met)

Gene: UNC80 (unc-80 subunit of NALCN channel complex; plus strand). Cytogenetic location: 2q34.
Variant type: single nucleotide variant.
Coding change: c.5504C>T on transcript NM_001371986.1 (MANE Select); coding-DNA position 5504, C replaced by T.
Protein change: p.Thr1835Met; replaces threonine 1835 with methionine.
Molecular consequence: missense variant.
Genome position (GRCh38, 1-based): chr2:209,921,660, C>T. VCF-style: chr2-209921660-C-T. GRCh37 (hg19) VCF-style: chr2-210786384-C-T.
Other names: c.5306C>T, p.Thr1769Met (NM_032504.2); c.5291C>T, p.Thr1764Met (NM_182587.4); c.5306C>T (NM_032504.1); short protein forms T1835M, T1764M, T1769M.
Identifiers: ClinVar variation 1362506 (VCV001362506.4), dbSNP rs752809115, ClinGen allele CA2083292.

ClinVar aggregate classification (germline): Uncertain significance. Review status: criteria provided, multiple submitters, no conflicts (2 of 4 stars). 2 submissions from 2 submitters: Uncertain significance (2). Last evaluated 2025-05-19.

Conditions:
Inborn genetic diseases. Identifiers: MedGen C0950123, MeSH D030342.

Allele frequency attached by ClinVar (database versions not stated): gnomAD exomes 0.00002 and 0.00003; gnomAD 0.00001; ExAC 0.00005.
gnomAD v4.1: 29 of 1,550,974 alleles (0.0019%); highest among the groups gnomAD compares: Middle Eastern, 0.033%; no homozygotes.

Submissions (2):

Ambry Genetics
Classification: Uncertain significance for Inborn genetic diseases. Last evaluated: 2025-05-19. Review status: criteria provided, single submitter. Criteria: Ambry Variant Classification Scheme 2023. Collection method: clinical testing. Allele origin: germline.

Labcorp Genetics (formerly Invitae), Labcorp
Classification: Uncertain significance. Last evaluated: 2022-07-05. Review status: criteria provided, single submitter. Criteria: Invitae Variant Classification Sherloc (09022015). Collection method: clinical testing. Allele origin: germline.
Comment: This sequence change replaces threonine, which is neutral and polar, with methionine, which is neutral and non-polar, at codon 1769 of the UNC80 protein (p.Thr1769Met). This variant is present in population databases (rs752809115, gnomAD 0.01%). This variant has not been reported in the literature in individuals affected with UNC80-related conditions. ClinVar contains an entry for this variant (Variation ID: 1362506). Algorithms developed to predict the effect of missense changes on protein structure and function are either unavailable or do not agree on the potential impact of this missense change (SIFT: "Not Available"; PolyPhen-2: "Possibly Damaging"; Align-GVGD: "Not Available"). In summary, the available evidence is currently insufficient to determine the role of this variant in disease. Therefore, it has been classified as a Variant of Uncertain Significance.